The following is an entry in ClinVar:

ClinVar aggregate classification (germline): Uncertain significance (1 of 4 stars; one submission).

Submission:

Women's Health and Genetics/Laboratory Corporation of America, LabCorp
Classification: Uncertain significance. Last evaluated: 2024-07-12. Review status: criteria provided, single submitter. Criteria: LabCorp Variant Classification Summary - May 2015. Collection method: clinical testing. Allele origin: germline.
Comment: Variant summary: CACNA1D c.4483T>C (p.Ser1495Pro) results in a non-conservative amino acid change located in the Voltage-dependent L-type calcium channel, IQ-associated domain (IPR031649) of the encoded protein sequence. Five of five in-silico tools predict a damaging effect of the variant on protein function. The variant was absent in 251416 control chromosomes. The available data on variant occurrences in the general population are insufficient to allow any conclusion about variant significance. To our knowledge, no occurrence of c.4483T>C in individuals affected with Sinoatrial Node Dysfunction And Deafness and no experimental evidence demonstrating its impact on protein function have been reported. No submitters have cited clinical-significance assessments for this variant to ClinVar. Based on the evidence outlined above, the variant was classified as uncertain significance.

NM_001128840.3(CACNA1D):c.4423T>C (p.Ser1475Pro)

Gene: CACNA1D (calcium voltage-gated channel subunit alpha1 D; plus strand). Cytogenetic location: 3p21.1.
Variant type: single nucleotide variant.
Coding change: c.4423T>C on transcript NM_001128840.3 (MANE Select); coding-DNA position 4423, T replaced by C.
Protein change: p.Ser1475Pro; replaces serine 1475 with proline.
Molecular consequence: missense variant.
Genome position (GRCh38, 1-based): chr3:53,776,663, T>C. VCF-style: chr3-53776663-T-C. GRCh37 (hg19) VCF-style: chr3-53810690-T-C.
Other names: c.4483T>C, p.Ser1495Pro (NM_000720.4); c.4378T>C, p.Ser1460Pro (NM_001128839.3); short protein forms S1460P, S1475P, S1495P.
Identifiers: ClinVar variation 3338916 (VCV003338916.1).